The following is an entry in ClinVar:

ClinVar aggregate classification (germline): Likely pathogenic (1 of 4 stars; one submission).

Conditions:
Meckel-Gruber syndrome. Also called: DYSENCEPHALIA SPLANCHNOCYSTICA; GRUBER SYNDROME; Dysencephalia splachnocystica. Identifiers: Orphanet 564, MedGen C0265215, MONDO:0018921.
Joubert syndrome. Also called: CEREBELLOPARENCHYMAL DISORDER IV; JOUBERT-BOLTSHAUSER SYNDROME; Familial aplasia of the vermis. Identifiers: Orphanet 475, MedGen C5979921, MONDO:0018772.

Submission:

Labcorp Genetics (formerly Invitae), Labcorp
Classification: Likely pathogenic for Joubert syndrome; Meckel-Gruber syndrome. Last evaluated: 2023-03-27. Review status: criteria provided, single submitter. Criteria: Invitae Variant Classification Sherloc (09022015). Collection method: clinical testing. Allele origin: germline.
Comment: In summary, the currently available evidence indicates that the variant is pathogenic, but additional data are needed to prove that conclusively. Therefore, this variant has been classified as Likely Pathogenic. Algorithms developed to predict the effect of sequence changes on RNA splicing suggest that this variant may disrupt the consensus splice site. ClinVar contains an entry for this variant (Variation ID: 836320). This variant has not been reported in the literature in individuals affected with RPGRIP1L-related conditions. This variant is not present in population databases (gnomAD no frequency). This sequence change affects a donor splice site in intron 24 of the RPGRIP1L gene. It is expected to disrupt RNA splicing. Variants that disrupt the donor or acceptor splice site typically lead to a loss of protein function (PMID: 16199547), and loss-of-function variants in RPGRIP1L are known to be pathogenic (PMID: 17558409).

Literature cited by the submitters: PubMed 16199547; PubMed 17558409.

NM_015272.5(RPGRIP1L):c.3616+1G>A

Gene: RPGRIP1L (RPGRIP1 like; minus strand). Cytogenetic location: 16q12.2.
Variant type: single nucleotide variant.
Coding change: c.3616+1G>A on transcript NM_015272.5 (MANE Select); the canonical splice donor site of the intron after coding-DNA position 3616, G replaced by A.
Molecular consequence: splice donor variant.
Genome position (GRCh38, 1-based): chr16:53,619,024, C>T on the plus strand (G>A on the coding strand, the complement: RPGRIP1L is on the minus strand). VCF-style: chr16-53619024-C-T. GRCh37 (hg19) VCF-style: chr16-53652936-C-T.
Other names: c.3376+1G>A (NM_001127897.4); c.3514+1G>A (NM_001330538.2); c.3478+1G>A (NM_001308334.3).
Identifiers: ClinVar variation 836320 (VCV000836320.8), dbSNP rs1964549409, ClinGen allele CA395923320.